The following is an entry in ClinVar:

NM_002691.4(POLD1):c.2549G>A (p.Arg850His)

Gene: POLD1 (DNA polymerase delta 1, catalytic subunit; plus strand). Cytogenetic location: 19q13.33.
Variant type: single nucleotide variant.
Coding change: c.2549G>A on transcript NM_002691.4 (MANE Select); coding-DNA position 2549, G replaced by A.
Protein change: p.Arg850His; replaces arginine 850 with histidine.
Molecular consequence: missense variant. On other transcripts: non-coding transcript variant (1).
Genome position (GRCh38, 1-based): chr19:50,414,975, G>A. VCF-style: chr19-50414975-G-A. GRCh37 (hg19) VCF-style: chr19-50918232-G-A.
Other names: c.2549G>A, p.Arg850His (NM_001256849.1); c.2627G>A, p.Arg876His (NM_001308632.1); c.2549G>A (NM_002691.2); short protein forms R850H, R876H.
Identifiers: ClinVar variation 239298 (VCV000239298.31), dbSNP rs764432550, ClinGen allele CA9596549.

ClinVar aggregate classification (germline): Conflicting classifications of pathogenicity. Review status: criteria provided, conflicting classifications (1 of 4 stars). 6 submissions from 6 submitters: Uncertain significance (5); Likely benign (1). Last evaluated 2025-12-22.

Conditions:
POLD1-related polyposis and colorectal cancer syndrome (CRCS10). Also called: COLORECTAL CANCER, SUSCEPTIBILITY TO, ON CHROMOSOME 19q; Colorectal cancer 10; Colorectal cancer, susceptibility to, 10. Identifiers: Orphanet 220460, MedGen C2675481, MONDO:0012953, OMIM 612591.
Hereditary cancer-predisposing syndrome. Also called: Hereditary Cancer Syndrome; Neoplastic Syndromes, Hereditary; Hereditary neoplastic syndrome; Tumor predisposition. Identifiers: Orphanet 140162, MedGen C0027672, MeSH D009386, MONDO:0015356.

Allele frequency attached by ClinVar (database versions not stated): gnomAD exomes 0.00001; ExAC 0.00002; gnomAD 0.00003 and 0.00004; TOPMed 0.00003.
gnomAD v4.1: 37 of 1,586,746 alleles (0.0023%); highest among the groups gnomAD compares: African/African-American, 0.0054%; no homozygotes.

Submissions (6):

Labcorp Genetics (formerly Invitae), Labcorp
Classification: Uncertain significance for POLD1-related polyposis and colorectal cancer syndrome. Last evaluated: 2025-12-22. Review status: criteria provided, single submitter. Criteria: Invitae Variant Classification Sherloc (09022015). Collection method: clinical testing. Allele origin: germline.
Comment: This sequence change replaces arginine, which is basic and polar, with histidine, which is basic and polar, at codon 850 of the POLD1 protein (p.Arg850His). The frequency data for this variant in the population databases is considered unreliable, as metrics indicate poor data quality at this position in the gnomAD database. This variant has not been reported in the literature in individuals affected with POLD1-related conditions. ClinVar contains an entry for this variant (Variation ID: 239298). Invitae Evidence Modeling of protein sequence and biophysical properties (such as structural, functional, and spatial information, amino acid conservation, physicochemical variation, residue mobility, and thermodynamic stability) indicates that this missense variant is not expected to disrupt POLD1 protein function with a negative predictive value of 80%. In summary, the available evidence is currently insufficient to determine the role of this variant in disease. Therefore, it has been classified as a Variant of Uncertain Significance.

GeneDx
Classification: Uncertain significance. Last evaluated: 2025-09-15. Review status: criteria provided, single submitter. Criteria: GeneDx Variant Classification Process June 2021. Collection method: clinical testing. Allele origin: germline. Affected: yes.
Comment: Not observed at significant frequency in large population cohorts (gnomAD); In silico analysis supports that this missense variant has a deleterious effect on protein structure/function; Has not been previously published as pathogenic or benign to our knowledge

Center for Genomic Medicine, Rigshospitalet, Copenhagen University Hospital
Classification: Uncertain significance. Last evaluated: 2025-03-04. Review status: criteria provided, single submitter. Criteria: ACMG Guidelines, 2015. Collection method: clinical testing. Allele origin: germline.

Ambry Genetics
Classification: Likely benign for Hereditary cancer-predisposing syndrome. Last evaluated: 2024-12-20. Review status: criteria provided, single submitter. Criteria: Ambry Variant Classification Scheme 2023. Collection method: clinical testing. Allele origin: germline.

ARUP Laboratories, Molecular Genetics and Genomics, ARUP Laboratories
Classification: Uncertain significance. Last evaluated: 2020-04-07. Review status: criteria provided, single submitter. Criteria: ARUP Molecular Germline Variant Investigation Process. Collection method: clinical testing. Allele origin: germline.

Quest Diagnostics Nichols Institute San Juan Capistrano
Classification: Uncertain significance. Last evaluated: 2017-09-07. Review status: criteria provided, single submitter. Criteria: Quest Diagnostics criteria. Collection method: clinical testing. Allele origin: germline.